The following is an entry in ClinVar:

ClinVar aggregate classification (germline): Uncertain significance. Review status: criteria provided, multiple submitters, no conflicts (2 of 4 stars). 4 submissions from 4 submitters: Uncertain significance (3). 1 of the submissions does not count toward it. Last evaluated 2025-08-21.

Conditions:
PEX6-related disorder. Also called: PEX6-related disorders; PEX6-related condition.
Inborn genetic diseases. Identifiers: MedGen C0950123, MeSH D030342.
Zellweger spectrum disorders (ZS). Also called: Zellweger Spectrum Disorder; Zellweger Spectrum; Zellweger syndrome; Zellweger Spectrum Disorder (ZSD). Identifiers: Orphanet 912, MedGen C0043459, MONDO:0019609.
Peroxisome biogenesis disorder. Identifiers: Orphanet 79189, MedGen C1832200, MONDO:0019234. Disease mechanism: loss of function.

Allele frequency attached by ClinVar (database versions not stated): TOPMed 0.00002.
gnomAD v4.1: 12 of 1,614,062 alleles (0.00074%); highest among the groups gnomAD compares: Admixed American, 0.01%; no homozygotes.

Submissions (4):

Labcorp Genetics (formerly Invitae), Labcorp
Classification: Uncertain significance for Peroxisome biogenesis disorder. Last evaluated: 2025-08-21. Review status: criteria provided, single submitter. Criteria: Invitae Variant Classification Sherloc (09022015). Collection method: clinical testing. Allele origin: germline.
Comment: This sequence change replaces leucine, which is neutral and non-polar, with valine, which is neutral and non-polar, at codon 251 of the PEX6 protein (p.Leu251Val). This variant is present in population databases (rs769332435, gnomAD 0.009%). This variant has not been reported in the literature in individuals affected with PEX6-related conditions. ClinVar contains an entry for this variant (Variation ID: 1022757). An algorithm developed to predict the effect of missense changes on protein structure and function (PolyPhen-2) suggests that this variant is likely to be tolerated. In summary, the available evidence is currently insufficient to determine the role of this variant in disease. Therefore, it has been classified as a Variant of Uncertain Significance.

PreventionGenetics, part of Exact Sciences
Classification: Uncertain significance for PEX6-related condition. Last evaluated: 2025-04-15. Review status: criteria provided, single submitter. Criteria: ACMG Guidelines, 2015. Collection method: clinical testing. Allele origin: germline.
Comment: The PEX6 c.751C>G variant is predicted to result in the amino acid substitution p.Leu251Val. To our knowledge, this variant has not been reported in the literature. This variant is reported in 0.0087% of alleles in individuals of Latino descent in gnomAD. At this time, the clinical significance of this variant is uncertain due to the absence of conclusive functional and genetic evidence.

Ambry Genetics
Classification: Uncertain significance for Inborn genetic diseases. Last evaluated: 2021-01-05. Review status: criteria provided, single submitter. Criteria: Ambry Variant Classification Scheme 2023. Collection method: clinical testing. Allele origin: germline.
Comment: The c.751C>G (p.L251V) alteration is located in exon 1 (coding exon 1) of the PEX6 gene. This alteration results from a C to G substitution at nucleotide position 751, causing the leucine (L) at amino acid position 251 to be replaced by a valine (V). The p.L251V alteration is predicted to be tolerated by in silico analysis. Based on insufficient or conflicting evidence, the clinical significance of this alteration remains unclear.

Natera, Inc.
Classification: Uncertain significance for Zellweger syndrome. Last evaluated: 2020-03-04. Review status: no assertion criteria provided. Collection method: clinical testing. Allele origin: germline. Not counted in ClinVar's aggregate classification.

NM_000287.4(PEX6):c.751C>G (p.Leu251Val)

Gene: PEX6 (peroxisomal biogenesis factor 6; minus strand). Cytogenetic location: 6p21.1.
Variant type: single nucleotide variant.
Coding change: c.751C>G on transcript NM_000287.4 (MANE Select); coding-DNA position 751, C replaced by G.
Protein change: p.Leu251Val; replaces leucine 251 with valine.
Molecular consequence: missense variant. On other transcripts: non-coding transcript variant (1), intron variant (1).
Genome position (GRCh38, 1-based): chr6:42,978,400, G>C on the plus strand (C>G on the coding strand, the complement: PEX6 is on the minus strand). VCF-style: chr6-42978400-G-C. GRCh37 (hg19) VCF-style: chr6-42946138-G-C.
Other names: c.751C>G (NM_000287.3); c.618+133C>G (NM_001316313.2); short protein forms L251V.
Identifiers: ClinVar variation 1022757 (VCV001022757.10), dbSNP rs769332435, ClinGen allele CA3811571.